The following is an entry in ClinVar:

NM_030665.4(RAI1):c.3014G>A (p.Arg1005Gln)

Gene: RAI1 (retinoic acid induced 1; plus strand). Cytogenetic location: 17p11.2.
Variant type: single nucleotide variant.
Coding change: c.3014G>A on transcript NM_030665.4 (MANE Select); coding-DNA position 3014, G replaced by A.
Protein change: p.Arg1005Gln; replaces arginine 1005 with glutamine.
Molecular consequence: missense variant.
Genome position (GRCh38, 1-based): chr17:17,795,962, G>A. VCF-style: chr17-17795962-G-A. GRCh37 (hg19) VCF-style: chr17-17699276-G-A.
Other names: c.3014G>A (NM_030665.3); short protein forms R1005Q.
Identifiers: ClinVar variation 3627843 (VCV003627843.3).

ClinVar aggregate classification (germline): Uncertain significance. Review status: criteria provided, multiple submitters, no conflicts (2 of 4 stars). 2 submissions from 2 submitters: Uncertain significance (2). Last evaluated 2025-08-30.

Conditions:
Inborn genetic diseases. Identifiers: MedGen C0950123, MeSH D030342.

gnomAD v4.1: 7 of 1,603,526 alleles (0.00044%); highest among the groups gnomAD compares: African/African-American, 0.0013%; no homozygotes.

Submissions (2):

Ambry Genetics
Classification: Uncertain significance for Inborn genetic diseases. Last evaluated: 2025-08-30. Review status: criteria provided, single submitter. Criteria: Ambry Variant Classification Scheme 2023. Collection method: clinical testing. Allele origin: germline.

Labcorp Genetics (formerly Invitae), Labcorp
Classification: Uncertain significance. Last evaluated: 2024-05-14. Review status: criteria provided, single submitter. Criteria: Invitae Variant Classification Sherloc (09022015). Collection method: clinical testing. Allele origin: germline.
Comment: This sequence change replaces arginine, which is basic and polar, with glutamine, which is neutral and polar, at codon 1005 of the RAI1 protein (p.Arg1005Gln). The frequency data for this variant in the population databases is considered unreliable, as metrics indicate poor data quality at this position in the gnomAD database. This missense change has been observed in individual(s) with Smith-Magenis syndrome (Invitae). Advanced modeling of protein sequence and biophysical properties (such as structural, functional, and spatial information, amino acid conservation, physicochemical variation, residue mobility, and thermodynamic stability) performed at Invitae indicates that this missense variant is not expected to disrupt RAI1 protein function with a negative predictive value of 80%. In summary, the available evidence is currently insufficient to determine the role of this variant in disease. Therefore, it has been classified as a Variant of Uncertain Significance.